The following is an entry in ClinVar:

ClinVar aggregate classification (germline): Pathogenic (1 of 4 stars; one submission).

Conditions:
Neurofibromatosis, type 1 (NF1). Also called: VON RECKLINGHAUSEN DISEASE; Peripheral type neurofibromatosis; NEUROFIBROMATOSIS, TYPE I, SOMATIC; Neurofibromatosis, type I. Identifiers: Orphanet 636, MedGen C0027831, MONDO:0018975, OMIM 162200. Disease mechanism: loss of function.

Submission:

Labcorp Genetics (formerly Invitae), Labcorp
Classification: Pathogenic for Neurofibromatosis, type 1. Last evaluated: 2020-08-18. Review status: criteria provided, single submitter. Criteria: Invitae Variant Classification Sherloc (09022015). Collection method: clinical testing. Allele origin: germline.
Comment: This sequence change creates a premature translational stop signal (p.Ser2288Phefs*14) in the NF1 gene. It is expected to result in an absent or disrupted protein product. This variant is not present in population databases (ExAC no frequency). This variant has not been reported in the literature in individuals with NF1-related conditions. Loss-of-function variants in NF1 are known to be pathogenic (PMID: 10712197, 23913538). For these reasons, this variant has been classified as Pathogenic.

Literature cited by the submitters: PubMed 10712197; PubMed 23913538.

NM_001042492.3(NF1):c.6922-7_6925dup

Gene: NF1 (neurofibromin 1; plus strand). Cytogenetic location: 17q11.2.
Variant type: Duplication.
Coding change: c.6922-7_6925dup on transcript NM_001042492.3 (MANE Select); 7 bases into the intron before coding-DNA position 6922 through coding-DNA position 6925, 11 bases duplicated (TTGCCAGGACT).
Molecular consequence: splice acceptor variant.
Genome position (GRCh38, 1-based): chr17:31,340,498-31,340,508, TTGCCAGGACT duplicated; duplicating any 11 consecutive bases within chr17:31,340,496-31,340,508 gives the same sequence; the c. name uses the placement nearest the transcript's 3' end. VCF-style (leftmost placement, unchanged base first): chr17-31340495-T-TCTTTGCCAGGA. GRCh37 (hg19) VCF-style: chr17-29667513-T-TCTTTGCCAGGA.
Other names: c.6859-7_6862dup (NM_000267.4).
Identifiers: ClinVar variation 1070582 (VCV001070582.5), dbSNP rs2151561390, ClinGen allele CA2499224204.